The following is an entry in ClinVar:

ClinVar aggregate classification (germline): Likely pathogenic (1 of 4 stars; one submission).

Submission:

Labcorp Genetics (formerly Invitae), Labcorp
Classification: Likely pathogenic. Last evaluated: 2022-10-15. Review status: criteria provided, single submitter. Criteria: Invitae Variant Classification Sherloc (09022015). Collection method: clinical testing. Allele origin: germline.
Comment: This sequence change affects an acceptor splice site in intron 4 of the GATA3 gene. It is expected to disrupt RNA splicing. Variants that disrupt the donor or acceptor splice site typically lead to a loss of protein function (PMID: 16199547), and loss-of-function variants in GATA3 are known to be pathogenic (PMID: 14985365, 21242646). This variant is not present in population databases (gnomAD no frequency). In summary, the currently available evidence indicates that the variant is pathogenic, but additional data are needed to prove that conclusively. Therefore, this variant has been classified as Likely Pathogenic. Algorithms developed to predict the effect of sequence changes on RNA splicing suggest that this variant may disrupt the consensus splice site. Disruption of this splice site has been observed in individual(s) with clinical features of hypoparathyroidism, sensorineural deafness, and renal dysplasia syndrome (PMID: 33105617; Invitae).

Literature cited by the submitters: PubMed 16199547; PubMed 14985365; PubMed 21242646; PubMed 33105617.

NM_001002295.2(GATA3):c.925-1G>A

Gene: GATA3 (GATA binding protein 3; plus strand). Cytogenetic location: 10p14.
Variant type: single nucleotide variant.
Coding change: c.925-1G>A on transcript NM_001002295.2 (MANE Select); the canonical splice acceptor site of the intron before coding-DNA position 925, G replaced by A.
Molecular consequence: splice acceptor variant.
Genome position (GRCh38, 1-based): chr10:8,069,472, G>A. VCF-style: chr10-8069472-G-A. GRCh37 (hg19) VCF-style: chr10-8111435-G-A.
Other names: c.922-1G>A (NM_002051.3).
Identifiers: ClinVar variation 2035705 (VCV002035705.4), dbSNP rs2131511487, ClinGen allele CA375974742.
Genomic context (GRCh38, chr10:8,069,472, plus strand): 5'-GTGATGACAACACATTTAACATTTGTTTTGATTTCACCCTCTCCTCTCTCCCCACTCTCA[G>A]TCTGCAGCCAGGAGAGCAGGGACGTCCTGTGCGAACTGTCAGACCACCACAACCACACTC-3'